The following is an entry in ClinVar:

NM_001130144.3(LTBP3):c.127G>T (p.Gly43Trp)

Gene: LTBP3 (latent transforming growth factor beta binding protein 3; minus strand). Cytogenetic location: 11q13.1.
Variant type: single nucleotide variant.
Coding change: c.127G>T on transcript NM_001130144.3 (MANE Select); coding-DNA position 127, G replaced by T.
Protein change: p.Gly43Trp; replaces glycine 43 with tryptophan.
Molecular consequence: missense variant. On other transcripts: 5 prime UTR variant (1).
Genome position (GRCh38, 1-based): chr11:65,557,833, C>A on the plus strand (G>T on the coding strand, the complement: LTBP3 is on the minus strand). VCF-style: chr11-65557833-C-A. GRCh37 (hg19) VCF-style: chr11-65325304-C-A.
Other names: c.-221G>T (NM_001164266.1); c.127G>T, p.Gly43Trp (NM_021070.4); c.127G>T (NM_001130144.2); short protein forms G43W.
Identifiers: ClinVar variation 3682041 (VCV003682041.3).

ClinVar aggregate classification (germline): Uncertain significance. Review status: criteria provided, multiple submitters, no conflicts (2 of 4 stars). 2 submissions from 2 submitters: Uncertain significance (2). Last evaluated 2025-08-02.

Conditions:
Inborn genetic diseases. Identifiers: MedGen C0950123, MeSH D030342.
Brachyolmia-amelogenesis imperfecta syndrome. Also called: PLATYSPONDYLY WITH AMELOGENESIS IMPERFECTA; Tooth agenesis, selective, 6; Dental anomalies and short stature. Identifiers: Orphanet 2899, MedGen C1832594, MONDO:0011018, OMIM 601216. Disease mechanism: loss of function.

gnomAD v4.1: 2 of 1,424,912 alleles (0.00014%); highest among the groups gnomAD compares: African/African-American, 0.0015%; no homozygotes.

Submissions (2):

Ambry Genetics
Classification: Uncertain significance for Inborn genetic diseases. Last evaluated: 2025-08-02. Review status: criteria provided, single submitter. Criteria: Ambry Variant Classification Scheme 2023. Collection method: clinical testing. Allele origin: germline.

Labcorp Genetics (formerly Invitae), Labcorp
Classification: Uncertain significance for Brachyolmia-amelogenesis imperfecta syndrome. Last evaluated: 2025-02-08. Review status: criteria provided, single submitter. Criteria: Invitae Variant Classification Sherloc (09022015). Collection method: clinical testing. Allele origin: germline.
Comment: This sequence change replaces glycine, which is neutral and non-polar, with tryptophan, which is neutral and slightly polar, at codon 43 of the LTBP3 protein (p.Gly43Trp). This variant is not present in population databases (gnomAD no frequency). This variant has not been reported in the literature in individuals affected with LTBP3-related conditions. Experimental studies and prediction algorithms are not available or were not evaluated, and the functional significance of this variant is currently unknown. In summary, the available evidence is currently insufficient to determine the role of this variant in disease. Therefore, it has been classified as a Variant of Uncertain Significance.